The following is an entry in ClinVar:

ClinVar aggregate classification (germline): Pathogenic/Likely pathogenic. Review status: criteria provided, multiple submitters, no conflicts (2 of 4 stars). 2 submissions from 2 submitters: Pathogenic (1); Likely pathogenic (1). Last evaluated 2025-10-22.

Conditions:
Inborn genetic diseases. Identifiers: MedGen C0950123, MeSH D030342.
Generalized epilepsy with febrile seizures plus, type 7 (GEFSP7). Also called: GEFS+, TYPE 7. Identifiers: Orphanet 36387, MedGen C2751778, MONDO:0013470, OMIM 613863.
Neuropathy, hereditary sensory and autonomic, type 2A (HSAN2A). Also called: ACROOSTEOLYSIS, NEUROGENIC; ACROOSTEOLYSIS, GIACCAI TYPE; MORVAN DISEASE; WNK1-Related HSAN2 (HSAN2A); NEUROPATHY, CONGENITAL SENSORY; NEUROPATHY, HEREDITARY SENSORY RADICULAR, AUTOSOMAL RECESSIVE. Identifiers: Orphanet 970, MedGen C2752089, MONDO:0024309, OMIM 201300.

Allele frequency attached by ClinVar (database versions not stated): TOPMed below 0.00001; gnomAD 0.00001.
gnomAD v4.1: 8 of 1,614,058 alleles (0.0005%); highest among the groups gnomAD compares: African/African-American, 0.0013%; no homozygotes.

Submissions (2):

Labcorp Genetics (formerly Invitae), Labcorp
Classification: Pathogenic for Neuropathy, hereditary sensory and autonomic, type 2A; Generalized epilepsy with febrile seizures plus, type 7. Last evaluated: 2025-10-22. Review status: criteria provided, single submitter. Criteria: Invitae Variant Classification Sherloc (09022015). Collection method: clinical testing. Allele origin: germline.
Comment: This sequence change creates a premature translational stop signal (p.Lys1659*) in the SCN9A gene. While this is not anticipated to result in nonsense mediated decay, it is expected to disrupt the last 319 amino acid(s) of the SCN9A protein. This variant is present in population databases (rs751948774, gnomAD 0.007%). This premature translational stop signal has been observed in individual(s) with autosomal recessive congenital insensitivity to pain (PMID: 17470132, 21441906). In at least one individual the data is consistent with being in trans (on the opposite chromosome) from a pathogenic variant. It has also been observed to segregate with disease in related individuals. ClinVar contains an entry for this variant (Variation ID: 1451235). This variant disrupts a region of the SCN9A protein in which other variant(s) (p.Glu1773Glyfs*14) have been determined to be pathogenic (PMID: 25253744). This suggests that this is a clinically significant region of the protein, and that variants that disrupt it are likely to be disease-causing. For these reasons, this variant has been classified as Pathogenic.

Ambry Genetics
Classification: Likely pathogenic for Inborn genetic diseases. Last evaluated: 2019-12-16. Review status: criteria provided, single submitter. Criteria: Ambry Variant Classification Scheme 2023. Collection method: clinical testing. Allele origin: germline.
Comment: The p.K1659* variant (also known as c.4975A>T), located in coding exon 26 of the SCN9A gene, results from an A to T substitution at nucleotide position 4975. This changes the amino acid from a lysine to a stop codon within coding exon 26. Premature stop codons are typically deleterious in nature; however, this stop codon occurs at the 3' terminus of SCN9A, is not expected to trigger nonsense-mediated mRNA decay, and impacts only the last 318 amino acids of the protein. This variant has been reported in the literature in patients with congenital insensitivity to pain in compound heterozygous state with another pathogenic mutation (Goldberg YP et al. Clin. Genet., 2007 Apr;71:311-9; Weiss J et al. Nature, 2011 Apr;472:186-90). Based on the majority of available evidence to date, this variant is likely to be pathogenic.

Literature cited by the submitters: PubMed 17470132 (cited by Labcorp Genetics (formerly Invitae), Labcorp and Ambry Genetics); PubMed 21441906 (cited by Labcorp Genetics (formerly Invitae), Labcorp and Ambry Genetics); PubMed 25253744 (cited by Labcorp Genetics (formerly Invitae), Labcorp).

NM_001365536.1(SCN9A):c.5008A>T (p.Lys1670Ter)

Genes: SCN1A-AS1 (SCN1A and SCN9A antisense RNA 1; plus strand), SCN9A (sodium voltage-gated channel alpha subunit 9; minus strand). Cytogenetic location: 2q24.3.
Variant type: single nucleotide variant.
Coding change: c.5008A>T on transcript NM_001365536.1 (MANE Select); coding-DNA position 5008, A replaced by T.
Protein change: p.Lys1670Ter; replaces lysine 1670 with a stop codon.
Molecular consequence: nonsense.
Genome position (GRCh38, 1-based): chr2:166,199,631, T>A on the plus strand (A>T on the coding strand, the complement: SCN9A is on the minus strand). VCF-style: chr2-166199631-T-A. GRCh37 (hg19) VCF-style: chr2-167056141-T-A.
Other names: c.4975A>T, p.Lys1659Ter (NM_002977.4); short protein forms K1659*, K1670*.
Identifiers: ClinVar variation 1451235 (VCV001451235.10), dbSNP rs751948774, ClinGen allele CA59784197.